The following is an entry in ClinVar:

NM_001035.3(RYR2):c.3588T>A (p.Asp1196Glu)

Gene: RYR2 (ryanodine receptor 2; plus strand). Cytogenetic location: 1q43.
Variant type: single nucleotide variant.
Coding change: c.3588T>A on transcript NM_001035.3 (MANE Select); coding-DNA position 3588, T replaced by A.
Protein change: p.Asp1196Glu; replaces aspartic acid 1196 with glutamic acid.
Molecular consequence: missense variant.
Genome position (GRCh38, 1-based): chr1:237,569,309, T>A. VCF-style: chr1-237569309-T-A. GRCh37 (hg19) VCF-style: chr1-237732609-T-A.
Other names: short protein forms D1196E.
Identifiers: ClinVar variation 1715475 (VCV001715475.6), dbSNP rs2546448583, ClinGen allele CA345390861.

ClinVar aggregate classification (germline): Uncertain significance (1 of 4 stars; one submission).

Conditions:
Catecholaminergic polymorphic ventricular tachycardia 1. Also called: VENTRICULAR TACHYCARDIA, CATECHOLAMINERGIC POLYMORPHIC, 1, WITH OR WITHOUT ATRIAL DYSFUNCTION AND/OR DILATED CARDIOMYOPATHY; VENTRICULAR TACHYCARDIA, STRESS-INDUCED POLYMORPHIC 1; RYR2-Related Catecholaminergic Polymorphic Ventricular Tachycardia. Identifiers: Orphanet 3286, MedGen C1631597, MONDO:0011484, OMIM 604772.

Submission:

Labcorp Genetics (formerly Invitae), Labcorp
Classification: Uncertain significance for Catecholaminergic polymorphic ventricular tachycardia 1. Last evaluated: 2022-08-07. Review status: criteria provided, single submitter. Criteria: Invitae Variant Classification Sherloc (09022015). Collection method: clinical testing. Allele origin: germline.
Comment: This variant has not been reported in the literature in individuals affected with RYR2-related conditions. This sequence change replaces aspartic acid, which is acidic and polar, with glutamic acid, which is acidic and polar, at codon 1196 of the RYR2 protein (p.Asp1196Glu). This variant is not present in population databases (gnomAD no frequency). Advanced modeling of protein sequence and biophysical properties (such as structural, functional, and spatial information, amino acid conservation, physicochemical variation, residue mobility, and thermodynamic stability) performed at Invitae indicates that this missense variant is not expected to disrupt RYR2 protein function. In summary, the available evidence is currently insufficient to determine the role of this variant in disease. Therefore, it has been classified as a Variant of Uncertain Significance.